The following is an entry in ClinVar:

NM_001079668.3(NKX2-1):c.69C>G (p.Gly23=)

Genes: NKX2-1 (NK2 homeobox 1; minus strand), NKX2-1-AS1 (NKX2-1 antisense RNA 1; plus strand). Cytogenetic location: 14q13.3.
Variant type: single nucleotide variant.
Coding change: c.69C>G on transcript NM_001079668.3 (MANE Select); coding-DNA position 69, C replaced by G.
Protein change: p.Gly23=; no amino-acid change (glycine 23 retained).
Molecular consequence: synonymous variant.
Genome position (GRCh38, 1-based): chr14:36,520,061, G>C on the plus strand (C>G on the coding strand, the complement: NKX2-1 is on the minus strand). VCF-style: chr14-36520061-G-C. GRCh37 (hg19) VCF-style: chr14-36989266-G-C.
Identifiers: ClinVar variation 1695665 (VCV001695665.2), dbSNP rs1188660010, ClinGen allele CA485916225.
Genomic context (GRCh38, chr14:36,520,061, plus strand): 5'-CACGGACAGGTCTTTAGGAGGAGGGGGCTGAGGGACAGGGTGGGGGTTTCACCTGAGCCT[G>C]CCGGGGCTGCTCCTCCCTCCCGCCGCGGCCTCCCAGCCCCGCGCCTTCCCACTGCCTCCG-3'
Protein context (NP_001073136.1, residues 13-33): EAAAGGRSSP[Gly23=]RLSRRRIMSM

ClinVar aggregate classification (germline): Uncertain significance (1 of 4 stars; one submission).

Allele frequency attached by ClinVar (database versions not stated): gnomAD exomes below 0.00001; gnomAD 0.00001.
gnomAD v4.1: 1 of 1,612,822 alleles (0.000062%); highest among the groups gnomAD compares: African/African-American, 0.0013%; no homozygotes.

Submission:

GeneDx
Classification: Uncertain significance. Last evaluated: 2022-01-06. Review status: criteria provided, single submitter. Criteria: GeneDx Variant Classification Process June 2021. Collection method: clinical testing. Allele origin: germline. Affected: yes.
Comment: In silico analysis supports that this variant does not alter splicing; Has not been previously published as pathogenic or benign to our knowledge